The following is an entry in ClinVar:

NM_005535.3(IL12RB1):c.222C>G (p.Ser74Arg)

Gene: IL12RB1 (interleukin 12 receptor subunit beta 1; minus strand). Cytogenetic location: 19p13.11.
Variant type: single nucleotide variant.
Coding change: c.222C>G on transcript NM_005535.3 (MANE Select); coding-DNA position 222, C replaced by G.
Protein change: p.Ser74Arg; replaces serine 74 with arginine.
Molecular consequence: missense variant.
Genome position (GRCh38, 1-based): chr19:18,082,167, G>C on the plus strand (C>G on the coding strand, the complement: IL12RB1 is on the minus strand). VCF-style: chr19-18082167-G-C. GRCh37 (hg19) VCF-style: chr19-18192977-G-C.
Other names: c.222C>G, p.Ser74Arg (NM_001290023.2, NM_153701.3); c.342C>G, p.Ser114Arg (NM_001290024.2); short protein forms S74R, S114R.
Identifiers: ClinVar variation 425167 (VCV000425167.59), dbSNP rs11575925, ClinGen allele CA9305301.

ClinVar aggregate classification (germline): Likely benign. Review status: criteria provided, multiple submitters, no conflicts (2 of 4 stars). 6 submissions from 6 submitters: Likely benign (6). Last evaluated 2026-07-01.

Conditions:
IL12RB1-related disorder. Also called: IL12RB1-related condition.
Mendelian susceptibility to mycobacterial diseases due to complete IL12RB1 deficiency. Also called: IL12RB1 DEFICIENCY; Immunodeficiency 30. Identifiers: Orphanet 319552, MedGen C4013949, MONDO:0013955, OMIM 614891.

Allele frequency attached by ClinVar (database versions not stated): 1000 Genomes Project 30x 0.00031; 1000 Genomes Project 0.00040; TOPMed 0.00147; ExAC 0.00192; gnomAD 0.00196 and 0.00200; gnomAD exomes 0.00206; ESP Exome Variant Server 0.00215.
gnomAD v4.1: 4,493 of 1,610,222 alleles (0.28%); highest among the groups gnomAD compares: Non-Finnish European, 0.32%; 13 homozygotes.

Submissions (6):

CeGaT Center for Human Genetics Tuebingen
Classification: Likely benign. Last evaluated: 2026-07-01. Review status: criteria provided, single submitter. Criteria: CeGaT Center For Human Genetics Tuebingen Variant Classification Criteria Version 2. Collection method: clinical testing. Allele origin: germline. Affected: yes. Observed: 6 variant alleles.
Comment: IL12RB1: BP4

Labcorp Genetics (formerly Invitae), Labcorp
Classification: Likely benign for Mendelian susceptibility to mycobacterial diseases due to complete IL12RB1 deficiency. Last evaluated: 2026-02-01. Review status: criteria provided, single submitter. Criteria: Invitae Variant Classification Sherloc (09022015). Collection method: clinical testing. Allele origin: germline.

PreventionGenetics, part of Exact Sciences
Classification: Likely benign for IL12RB1-related condition. Last evaluated: 2025-03-10. Review status: criteria provided, single submitter. Criteria: ACMG Guidelines, 2015. Collection method: clinical testing. Allele origin: germline.
Comment: This variant is classified as likely benign based on ACMG/AMP sequence variant interpretation guidelines (Richards et al. 2015 PMID: 25741868, with internal and published modifications).

Blueprint Genetics
Classification: Likely benign. Last evaluated: 2024-11-27. Review status: criteria provided, single submitter. Criteria: ACMG Guidelines, 2015. Collection method: clinical testing. Allele origin: germline.

Illumina Laboratory Services, Illumina
Classification: Likely benign for Mendelian susceptibility to mycobacterial diseases due to complete IL12RB1 deficiency. Last evaluated: 2017-04-27. Review status: criteria provided, single submitter. Criteria: ICSL Variant Classification Criteria 13 December 2019. Collection method: clinical testing. Allele origin: germline.
Comment: This variant was observed as part of a predisposition screen in an ostensibly healthy population. A literature search was performed for the gene, cDNA change, and amino acid change (where applicable). Publications were found based on this search. The evidence from the literature, in combination with allele frequency data from public databases where available, was sufficient to determine this variant is unlikely to cause disease. Therefore, this variant is classified as likely benign.

Breakthrough Genomics
Classification: Likely benign. Review status: criteria provided, single submitter. Criteria: ACMG Guidelines, 2015. Collection method: not provided. Allele origin: germline. Inheritance: Autosomal recessive inheritance. Affected: yes.

Literature cited by the submitters: PubMed 16293671 (cited by Illumina Laboratory Services, Illumina).